The following is an entry in ClinVar:

NM_000535.7(PMS2):c.2101C>T (p.His701Tyr)

Gene: PMS2 (PMS1 homolog 2, mismatch repair system component; minus strand). Cytogenetic location: 7p22.1.
Variant type: single nucleotide variant.
Coding change: c.2101C>T on transcript NM_000535.7 (MANE Select); coding-DNA position 2101, C replaced by T.
Protein change: p.His701Tyr; replaces histidine 701 with tyrosine.
Molecular consequence: missense variant. On other transcripts: non-coding transcript variant (1).
Genome position (GRCh38, 1-based): chr7:5,982,897, G>A on the plus strand (C>T on the coding strand, the complement: PMS2 is on the minus strand). VCF-style: chr7-5982897-G-A. GRCh37 (hg19) VCF-style: chr7-6022528-G-A.
Other names: c.1696C>T, p.His566Tyr (NM_001322003.2, NM_001322004.2, NM_001322005.2 and 1 more transcripts); c.1945C>T, p.His649Tyr (NM_001322006.2); c.1783C>T, p.His595Tyr (NM_001322007.2, NM_001322008.2); c.1540C>T, p.His514Tyr (NM_001322010.2); c.1168C>T, p.His390Tyr (NM_001322011.2, NM_001322012.2); c.1528C>T, p.His510Tyr (NM_001322013.2); c.2101C>T, p.His701Tyr (NM_001322014.2); c.1792C>T, p.His598Tyr (NM_001322015.2); short protein forms H701Y, H510Y, H514Y, H598Y, H390Y, H566Y, H595Y, H649Y.
Identifiers: ClinVar variation 411077 (VCV000411077.14), dbSNP rs763866879, ClinGen allele CA046594.

ClinVar aggregate classification (germline): Conflicting classifications of pathogenicity. Review status: criteria provided, conflicting classifications (1 of 4 stars). 3 submissions from 3 submitters: Likely pathogenic (1); Uncertain significance (2). Last evaluated 2025-07-07.

Conditions:
Lynch syndrome 4 (LYNCH4). Also called: Colorectal cancer, hereditary nonpolyposis, type 4; Hereditary non-polyposis colorectal cancer, type 4. Identifiers: Orphanet 144, MedGen C1838333, MONDO:0013699, OMIM 614337. Disease mechanism: loss of function.
Hereditary nonpolyposis colorectal neoplasms. Identifiers: MedGen C0009405, MeSH D003123.
Hereditary cancer-predisposing syndrome. Also called: Tumor predisposition; Hereditary Cancer Syndrome; Hereditary neoplastic syndrome; Neoplastic Syndromes, Hereditary. Identifiers: Orphanet 140162, MedGen C0027672, MeSH D009386, MONDO:0015356.

Allele frequency attached by ClinVar (database versions not stated): gnomAD exomes below 0.00001; ExAC 0.00002.

Submissions (3):

Ambry Genetics
Classification: Likely pathogenic for Hereditary cancer-predisposing syndrome. Last evaluated: 2025-07-07. Review status: criteria provided, single submitter. Criteria: Ambry Variant Classification Scheme 2023. Collection method: clinical testing. Allele origin: germline.
Comment: The p.H701Y variant (also known as c.2101C>T), located in coding exon 12 of the PMS2 gene, results from a C to T substitution at nucleotide position 2101. The histidine at codon 701 is replaced by tyrosine, an amino acid with similar properties. Based on internal structural analysis, this variant sits at the interface between PMS2/MutLa and is anticipated to result in a significant decrease in structural stability (Gueneau E et al. Nat Struct Mol Biol, 2013 Apr;20:461-8; Ambry internal data). This variant is considered to be rare based on population cohorts in the Genome Aggregation Database (gnomAD). This amino acid position is highly conserved in available vertebrate species. In addition, this alteration is predicted to be deleterious by in silico analysis. Based on the majority of available evidence to date, this variant is likely to be pathogenic.

Labcorp Genetics (formerly Invitae), Labcorp
Classification: Uncertain significance for Hereditary nonpolyposis colorectal neoplasms. Last evaluated: 2025-01-01. Review status: criteria provided, single submitter. Criteria: Invitae Variant Classification Sherloc (09022015). Collection method: clinical testing. Allele origin: germline.
Comment: This sequence change replaces histidine, which is basic and polar, with tyrosine, which is neutral and polar, at codon 701 of the PMS2 protein (p.His701Tyr). The frequency data for this variant in the population databases (gnomAD) is considered unreliable due to the presence of homologous sequence, such as pseudogenes or paralogs, in the genome. This variant has not been reported in the literature in individuals affected with PMS2-related conditions. ClinVar contains an entry for this variant (Variation ID: 411077). Invitae Evidence Modeling incorporating data from in vitro experimental studies (internal data) indicates that this missense variant is expected to disrupt PMS2 function with a positive predictive value of 95%. In summary, the available evidence is currently insufficient to determine the role of this variant in disease. Therefore, it has been classified as a Variant of Uncertain Significance.

Baylor Genetics
Classification: Uncertain significance for Lynch syndrome 4. Last evaluated: 2024-03-22. Review status: criteria provided, single submitter. Criteria: ACMG Guidelines, 2015. Collection method: clinical testing. Allele origin: unknown.

Literature cited by the submitters: PubMed 23435383 (cited by Ambry Genetics).